The following is an entry in ClinVar:

NM_012210.4(TRIM32):c.1350C>T (p.Asn450=)

Genes: ASTN2 (astrotactin 2; minus strand), TRIM32 (tripartite motif containing 32; plus strand). Cytogenetic location: 9q33.1.
Variant type: single nucleotide variant.
Coding change: c.1350C>T on transcript NM_012210.4 (MANE Select); coding-DNA position 1350, C replaced by T.
Protein change: p.Asn450=; no amino-acid change (asparagine 450 retained).
Molecular consequence: synonymous variant. On other transcripts: intron variant (3).
Genome position (GRCh38, 1-based): chr9:116,699,092, C>T. VCF-style: chr9-116699092-C-T. GRCh37 (hg19) VCF-style: chr9-119461371-C-T.
Other names: c.1350C>T, p.Asn450= (NM_001099679.2, NM_001379048.1, NM_001379049.1 and 1 more transcripts); c.2653+26679G>A (NM_014010.5); c.2794+26679G>A (NM_001365069.1); c.2806+26679G>A (NM_001365068.1).
Identifiers: ClinVar variation 2723533 (VCV002723533.4), dbSNP rs1385035962, ClinGen allele CA466917064.

ClinVar aggregate classification (germline): Likely benign. Review status: criteria provided, multiple submitters, no conflicts (2 of 4 stars). 2 submissions from 2 submitters: Likely benign (2). Last evaluated 2026-06-22.

Conditions:
TRIM32-related disorder. Also called: TRIM32-related condition.
Bardet-Biedl syndrome (BBS). Identifiers: Orphanet 110, MedGen C0752166, MONDO:0015229.

Allele frequency attached by ClinVar (database versions not stated): gnomAD exomes below 0.00001; gnomAD 0.00001; TOPMed 0.00001.
gnomAD v4.1: 3 of 1,613,944 alleles (0.00019%); highest among the groups gnomAD compares: Non-Finnish European, 0.000085%; no homozygotes.

Submissions (2):

PreventionGenetics, part of Exact Sciences
Classification: Likely benign for TRIM32-related condition. Last evaluated: 2026-06-22. Review status: criteria provided, single submitter. Criteria: ACMG Guidelines, 2015. Collection method: clinical testing. Allele origin: germline.
Comment: This variant is classified as likely benign based on ACMG/AMP sequence variant interpretation guidelines (Richards et al. 2015 PMID: 25741868, with internal and published modifications).

Labcorp Genetics (formerly Invitae), Labcorp
Classification: Likely benign for Bardet-Biedl syndrome. Last evaluated: 2023-05-05. Review status: criteria provided, single submitter. Criteria: Invitae Variant Classification Sherloc (09022015). Collection method: clinical testing. Allele origin: germline.